The following is an entry in ClinVar:

NM_000642.3(AGL):c.3971_3972del (p.Ser1323_Tyr1324insTer)

Gene: AGL (amylo-alpha-1,6-glucosidase and 4-alpha-glucanotransferase; plus strand). Cytogenetic location: 1p21.2.
Variant type: Microsatellite.
Coding change: c.3971_3972del on transcript NM_000642.3 (MANE Select); coding-DNA positions 3971 to 3972, 2 bases deleted (AT; older notation c.3971_3972delAT).
Protein change: p.Ser1323_Tyr1324insTer.
Molecular consequence: nonsense. On other transcripts: frameshift variant (10).
Genome position (GRCh38, 1-based): chr1:99,913,548-99,913,549, AT deleted; deleting any 2 consecutive bases within chr1:99,913,546-99,913,549 gives the same sequence; the c. name uses the placement nearest the transcript's 3' end. VCF-style (leftmost placement, unchanged base first): chr1-99913545-CAT-C. GRCh37 (hg19) VCF-style: chr1-100379101-CAT-C.
Other names: c.3969_3970AT[1], p.Tyr1324Terfs (NM_000028.3, NM_000643.3, NM_000644.3 and 1 more transcripts); c.3768_3769AT[1], p.Tyr1257Terfs (NM_001425327.1); c.3765_3766AT[1], p.Tyr1256Terfs (NM_001425328.1); c.3630_3631AT[1], p.Tyr1211Terfs (NM_001425329.1); c.3591_3592AT[1], p.Tyr1198Terfs (NM_001425332.1); c.3921_3922AT[1], p.Tyr1308Terfs (NM_000646.3); c.3948_3949AT[1], p.Tyr1317Terfs (NM_001425326.1).
Identifiers: ClinVar variation 3241184 (VCV003241184.4), dbSNP rs2523823680.

ClinVar aggregate classification (germline): Pathogenic. Review status: criteria provided, multiple submitters, no conflicts (2 of 4 stars). 3 submissions from 3 submitters: Pathogenic (3). Last evaluated 2025-12-01.

Conditions:
Glycogen storage disease type III (GSD3). Also called: Cori disease; FORBES DISEASE. Identifiers: Orphanet 366, MedGen C0017922, MONDO:0009291, OMIM 232400.

Submissions (3):

Natera, Inc.
Classification: Pathogenic for Glycogen storage disease type III. Last evaluated: 2025-12-01. Review status: criteria provided, single submitter. Criteria: Natera Variant Classification Schema (03/2026). Collection method: clinical testing. Allele origin: germline.
Comment: The c.3971_3972del variant in AGL is a frameshift variant predicted to shift the reading frame and introduce a stop codon. This variant is expected to result in nonsense mediated decay, truncation, or a dysfunctional protein product. This variant is rare in the general population with a frequency below the threshold expected for the associated phenotype(s). This variant has been observed in one or more individuals affected with the associated recessive disease, as either homozygous or compound heterozygous with a second variant (PMID: 26984562). Given the available evidence, this variant is classified as Pathogenic.

Labcorp Genetics (formerly Invitae), Labcorp
Classification: Pathogenic for Glycogen storage disease type III. Last evaluated: 2024-02-01. Review status: criteria provided, single submitter. Criteria: Invitae Variant Classification Sherloc (09022015). Collection method: clinical testing. Allele origin: germline.
Comment: This sequence change creates a premature translational stop signal (p.Tyr1324*) in the AGL gene. It is expected to result in an absent or disrupted protein product. Loss-of-function variants in AGL are known to be pathogenic (PMID: 19299494). This variant is not present in population databases (gnomAD no frequency). This premature translational stop signal has been observed in individual(s) with glycogen storage disease type III (PMID: 26984562). For these reasons, this variant has been classified as Pathogenic.

Baylor Genetics
Classification: Pathogenic for Glycogen storage disease type III. Last evaluated: 2023-12-04. Review status: criteria provided, single submitter. Criteria: ACMG Guidelines, 2015. Collection method: clinical testing. Allele origin: unknown.

Literature cited by the submitters: PubMed 26984562 (cited by Natera, Inc. and Labcorp Genetics (formerly Invitae), Labcorp); PubMed 19299494 (cited by Labcorp Genetics (formerly Invitae), Labcorp).